The following is an entry in ClinVar:

NM_003737.4(DCHS1):c.3281G>A (p.Ser1094Asn)

Gene: DCHS1 (dachsous cadherin-related 1; minus strand). Cytogenetic location: 11p15.4.
Variant type: single nucleotide variant.
Coding change: c.3281G>A on transcript NM_003737.4 (MANE Select); coding-DNA position 3281, G replaced by A.
Protein change: p.Ser1094Asn; replaces serine 1094 with asparagine.
Molecular consequence: missense variant.
Genome position (GRCh38, 1-based): chr11:6,632,231, C>T on the plus strand (G>A on the coding strand, the complement: DCHS1 is on the minus strand). VCF-style: chr11-6632231-C-T. GRCh37 (hg19) VCF-style: chr11-6653462-C-T.
Other names: short protein forms S1094N.
Identifiers: ClinVar variation 4775165 (VCV004775165.1).

ClinVar aggregate classification (germline): Uncertain significance (1 of 4 stars; one submission).

gnomAD v4.1: 34 of 1,613,412 alleles (0.0021%); highest among the groups gnomAD compares: Non-Finnish European, 0.0028%; no homozygotes.

Submission:

Labcorp Genetics (formerly Invitae), Labcorp
Classification: Uncertain significance. Last evaluated: 2025-04-20. Review status: criteria provided, single submitter. Criteria: Invitae Variant Classification Sherloc (09022015). Collection method: clinical testing. Allele origin: germline.
Comment: This sequence change replaces serine, which is neutral and polar, with asparagine, which is neutral and polar, at codon 1094 of the DCHS1 protein (p.Ser1094Asn). This variant is present in population databases (no rsID available, gnomAD 0.0009%). This variant has not been reported in the literature in individuals affected with DCHS1-related conditions. Invitae Evidence Modeling of protein sequence and biophysical properties (such as structural, functional, and spatial information, amino acid conservation, physicochemical variation, residue mobility, and thermodynamic stability) indicates that this missense variant is not expected to disrupt DCHS1 protein function with a negative predictive value of 80%. In summary, the available evidence is currently insufficient to determine the role of this variant in disease. Therefore, it has been classified as a Variant of Uncertain Significance.